The following is an entry in ClinVar:

ClinVar aggregate classification (germline): Uncertain significance. Review status: criteria provided, multiple submitters, no conflicts (2 of 4 stars). 4 submissions from 4 submitters: Uncertain significance (4). Last evaluated 2026-03-06.

Conditions:
Hermansky-Pudlak syndrome 5 (HPS5). Identifiers: Orphanet 231512, Orphanet 79430, MedGen C3888004, MONDO:0013557, OMIM 614074.

Allele frequency attached by ClinVar (database versions not stated): gnomAD exomes 0.00005 and 0.00006; ExAC 0.00007; gnomAD 0.00007 and 0.00008; TOPMed 0.00008; ESP Exome Variant Server 0.00015.
gnomAD v4.1: 84 of 1,613,996 alleles (0.0052%); highest among the groups gnomAD compares: Non-Finnish European, 0.0064%; no homozygotes.

Submissions (4):

Women's Health and Genetics/Laboratory Corporation of America, LabCorp
Classification: Uncertain significance. Last evaluated: 2026-03-06. Review status: criteria provided, single submitter. Criteria: LabCorp Variant Classification Summary - May 2015. Collection method: clinical testing. Allele origin: germline.
Comment: Variant summary: HPS5 c.1067C>A (p.Ser356Tyr) results in a non-conservative amino acid change in the encoded protein sequence. Algorithms developed to predict the effect of missense changes on protein structure and function are either unavailable or do not agree on the potential impact of this missense change. The variant allele was found at a frequency of 5.6e-05 in 251484 control chromosomes. This frequency is not significantly higher than estimated for disease-causing variants in HPS5, allowing no conclusion about variant significance. To our knowledge, no occurrence of c.1067C>A in individuals affected with HPS5-related conditions and no experimental evidence demonstrating its impact on protein function have been reported. ClinVar contains an entry for this variant (Variation ID: 878827). Based on the evidence outlined above, the variant was classified as uncertain significance.

Blueprint Genetics
Classification: Uncertain significance. Last evaluated: 2024-10-16. Review status: criteria provided, single submitter. Criteria: ACMG Guidelines, 2015. Collection method: clinical testing. Allele origin: germline.

Labcorp Genetics (formerly Invitae), Labcorp
Classification: Uncertain significance. Last evaluated: 2022-02-04. Review status: criteria provided, single submitter. Criteria: Invitae Variant Classification Sherloc (09022015). Collection method: clinical testing. Allele origin: germline.
Comment: This sequence change replaces serine, which is neutral and polar, with tyrosine, which is neutral and polar, at codon 356 of the HPS5 protein (p.Ser356Tyr). This variant is present in population databases (rs371346921, gnomAD 0.01%). This variant has not been reported in the literature in individuals affected with HPS5-related conditions. ClinVar contains an entry for this variant (Variation ID: 878827). Algorithms developed to predict the effect of missense changes on protein structure and function are either unavailable or do not agree on the potential impact of this missense change (SIFT: "Deleterious"; PolyPhen-2: "Possibly Damaging"; Align-GVGD: "Class C0"). In summary, the available evidence is currently insufficient to determine the role of this variant in disease. Therefore, it has been classified as a Variant of Uncertain Significance.

Illumina Laboratory Services, Illumina
Classification: Uncertain significance for Hermansky-Pudlak syndrome 5. Last evaluated: 2018-01-12. Review status: criteria provided, single submitter. Criteria: ICSL Variant Classification Criteria 13 December 2019. Collection method: clinical testing. Allele origin: germline.

NM_181507.2(HPS5):c.1067C>A (p.Ser356Tyr)

Gene: HPS5 (HPS5 biogenesis of lysosomal organelles complex 2 subunit 2; minus strand). Cytogenetic location: 11p15.1.
Variant type: single nucleotide variant.
Coding change: c.1067C>A on transcript NM_181507.2 (MANE Select); coding-DNA position 1067, C replaced by A.
Protein change: p.Ser356Tyr; replaces serine 356 with tyrosine.
Molecular consequence: missense variant.
Genome position (GRCh38, 1-based): chr11:18,298,889, G>T on the plus strand (C>A on the coding strand, the complement: HPS5 is on the minus strand). VCF-style: chr11-18298889-G-T. GRCh37 (hg19) VCF-style: chr11-18320436-G-T.
Other names: c.725C>A, p.Ser242Tyr (NM_007216.4, NM_181508.2); short protein forms S356Y, S242Y.
Identifiers: ClinVar variation 878827 (VCV000878827.7), dbSNP rs371346921, ClinGen allele CA5910238.